The following is an entry in ClinVar:

NM_001134363.3(RBM20):c.1907G>A (p.Arg636His)

Gene: RBM20 (RNA binding motif protein 20; plus strand). Cytogenetic location: 10q25.2.
Variant type: single nucleotide variant.
Coding change: c.1907G>A on transcript NM_001134363.3 (MANE Select); coding-DNA position 1907, G replaced by A.
Protein change: p.Arg636His; replaces arginine 636 with histidine.
Molecular consequence: missense variant.
Genome position (GRCh38, 1-based): chr10:110,812,304, G>A. VCF-style: chr10-110812304-G-A. GRCh37 (hg19) VCF-style: chr10-112572062-G-A.
Other names: p.R636H:CGT>CAT; short protein forms R636H.
Identifiers: ClinVar variation 271 (VCV000000271.44), dbSNP rs267607004, ClinGen allele CA251414.

ClinVar aggregate classification (germline): Pathogenic/Likely pathogenic. Review status: criteria provided, multiple submitters, no conflicts (2 of 4 stars). 20 submissions from 20 submitters: Pathogenic (15); Likely pathogenic (2). 3 of the submissions do not count toward it. Last evaluated 2026-06-05.

Conditions:
RBM20-related disorder. Also called: RBM20-related condition.
Cardiovascular phenotype. Identifiers: MedGen CN230736.
Cardiomyopathy (CMYO). Also called: Cardiomyopathies. Identifiers: Orphanet 167848, MedGen C0878544, MONDO:0004994, HP:0001638. Inheritance: Various modes of inheritance.
Primary dilated cardiomyopathy (DCM). Also called: Dilated Cardiomyopathy. Identifiers: Orphanet 217604, MedGen C0007193, MeSH D002311, MONDO:0005021, HP:0001644. Inheritance: Various modes of inheritance.
Primary familial dilated cardiomyopathy (FDC). Also called: Hypokinetic dilated cardiomyopathy, familial; Familial dilated cardiomyopathy. Identifiers: Orphanet 217607, MedGen C0340427, MONDO:0016333.
Dilated cardiomyopathy 1DD (CMD1DD). Identifiers: Orphanet 154, MedGen C2750995, MONDO:0013168, OMIM 613172.

Allele frequency attached by ClinVar (database versions not stated): gnomAD 0.00001; TOPMed 0.00001.
gnomAD v4.1: 2 of 1,549,190 alleles (0.00013%); highest among the groups gnomAD compares: Non-Finnish European, 0.00017%; no homozygotes.

Submissions 1 to 9 of 20:

Clinical Genetics Laboratory, Skane University Hospital Lund
Classification: Pathogenic for Dilated cardiomyopathy 1DD. Last evaluated: 2026-06-05. Review status: criteria provided, single submitter. Criteria: ACMG Guidelines, 2015. Collection method: clinical testing. Allele origin: germline. Inheritance: Autosomal dominant inheritance. Affected: yes.
Comment: ACMG criteria: PS4, PM2, PM5, PP1_Strong, PP3 and PP4.

Labcorp Genetics (formerly Invitae), Labcorp
Classification: Pathogenic for Dilated cardiomyopathy 1DD. Last evaluated: 2026-02-01. Review status: criteria provided, single submitter. Criteria: Invitae Variant Classification Sherloc (09022015). Collection method: clinical testing. Allele origin: germline.
Comment: This sequence change replaces arginine, which is basic and polar, with histidine, which is basic and polar, at codon 636 of the RBM20 protein (p.Arg636His). This variant is not present in population databases (gnomAD no frequency). This missense change has been observed in individuals with dilated cardiomyopathy (DCM) (PMID: 19712804, 20590677, 23861363, 24503780, 26084686). It has also been observed to segregate with disease in related individuals. ClinVar contains an entry for this variant (Variation ID: 271). Invitae Evidence Modeling of protein sequence and biophysical properties (such as structural, functional, and spatial information, amino acid conservation, physicochemical variation, residue mobility, and thermodynamic stability) has been performed for this missense variant. However, the output from this modeling did not meet the statistical confidence thresholds required to predict the impact of this variant on RBM20 protein function. This variant disrupts the p.Arg636 amino acid residue in RBM20. Other variant(s) that disrupt this residue have been determined to be pathogenic (PMID: 20590677, 21483645). This suggests that this residue is clinically significant, and that variants that disrupt this residue are likely to be disease-causing. For these reasons, this variant has been classified as Pathogenic.

CeGaT Center for Human Genetics Tuebingen
Classification: Pathogenic. Last evaluated: 2025-11-01. Review status: criteria provided, single submitter. Criteria: CeGaT Center For Human Genetics Tuebingen Variant Classification Criteria Version 2. Collection method: clinical testing. Allele origin: germline. Affected: yes. Observed: 1 variant allele.
Comment: RBM20: PP1:Strong, PS4, PM1, PM2, PM5

Dasa
Classification: Pathogenic. Last evaluated: 2025-08-21. Review status: criteria provided, single submitter. Criteria: DASA Assertion Criteria. Collection method: clinical testing. Allele origin: germline.
Comment: NM_001134363.3(RBM20):c.1907G>A (p.Arg636His) is a missense variant that results in the substitution of arginine with histidine. The affected residue or protein region has prior evidence supporting clinical relevance. De novo occurrence has been reported in an individual with related phenotype. Segregation evidence has been reported in affected families. This variant has been recurrently observed in individuals with related phenotype (PMID: 30547036; PMID: 20590677; PMID: 30050558; PMID: 35527250; PMID: 35181673). Multiple computational predictions support a deleterious effect on the gene or gene product. The variant is present at low frequency in population datasets. Based on the available data, this variant is classified as pathogenic.

ARUP Laboratories, Molecular Genetics and Genomics, ARUP Laboratories
Classification: Pathogenic for Dilated cardiomyopathy 1DD. Last evaluated: 2025-05-15. Review status: criteria provided, single submitter. Criteria: ARUP Molecular Germline Variant Investigation Process 2024. Collection method: clinical testing. Allele origin: germline.
Comment: The RBM20 c.1907G>A; p.Arg636His variant (rs267607004, ClinVar Variation ID: 271) is reported in the literature in multiple individuals and families with dilated cardiomyopathy (DCM) or hypertrophic cardiomyopathy and has been reported to cosegregate with disease in multiple kindreds (Brauch 2009, Inagaki 2022, Li 2010, Malakootian 2022, Sun 2020, Walsh 2017, Wells 2013). This variant has also been reported de novo in an individual with DCM (Sun 2020). The p.Arg636His variant is absent from the Genome Aggregation Database (v2.1.1), indicating it is not a common polymorphism. Computational analyses predict that this variant is deleterious (REVEL: 0.726). Based on available information, this variant is considered to be pathogenic. References: Brauch KM et al. Mutations in ribonucleic acid binding protein gene cause familial dilated cardiomyopathy. J Am Coll Cardiol. 2009 Sep 1;54(10):930-41. PMID: 19712804 . Inagaki N et al. Pathogenic variant of RBM20 in a multiplex family with hypertrophic cardiomyopathy. Hum Genome Var. 2022 Feb 18;9(1):6. PMID: 35181673. Li D et al. Identification of novel mutations in RBM20 in patients with dilated cardiomyopathy. Clin Transl Sci. 2010 Jun;3(3):90-7. PMID: 20590677. Malakootian M et al. Dilated cardiomyopathy caused by a pathogenic nucleotide variant in RBM20 in an Iranian family. BMC Med Genomics. 2022 May 8;15(1):106. PMID: 35527250. Sun Q et al. Whole-exome sequencing reveals two de novo variants in the RBM20 gene in two Chinese patients with left ventricular non-compaction cardiomyopathy. Pediatr Investig. 2020 Mar 17;4(1):11-16. PMID: 32851336. Walsh R et al. Reassessment of Mendelian gene pathogenicity using 7,855 cardiomyopathy cases and 60,706 reference samples. Genet Med. 2017 Feb;19(2):192-203. PMID: 27532257. Wells QS et al. Whole exome sequencing identifies a causal RBM20 mutation in a large pedigree with familial dilated cardiomyopathy. Circ Cardiovasc Genet. 2013 Aug;6(4):317-26. PMID: 23861363.

North West Genomic Laboratory Hub, Manchester University NHS Foundation Trust
Classification: Pathogenic for Dilated cardiomyopathy 1DD. Last evaluated: 2024-07-10. Review status: criteria provided, single submitter. Criteria: ACGS Best Practice Guidelines for Variant Classification in Rare Disease 2020. Collection method: clinical testing. Allele origin: germline. Affected: yes.
Comment: PM1_Mod PM6_Supp PP1_Str PS4_Str

Blueprint Genetics
Classification: Pathogenic for RBM20-related disorders. Last evaluated: 2023-11-27. Review status: criteria provided, single submitter. Criteria: ACMG Guidelines, 2015. Collection method: clinical testing. Allele origin: germline. Affected: yes. Observed: 5 variant alleles.

Ambry Genetics
Classification: Pathogenic for Cardiovascular phenotype. Last evaluated: 2023-03-22. Review status: criteria provided, single submitter. Criteria: Ambry Variant Classification Scheme 2023. Collection method: clinical testing. Allele origin: germline.
Comment: The p.R636H pathogenic mutation (also known as c.1907G>A), located in coding exon 9 of the RBM20 gene, results from a G to A substitution at nucleotide position 1907. The arginine at codon 636 is replaced by histidine, an amino acid with highly similar properties. This mutation has been reported in several individuals with dilated cardiomyopathy (DCM), and has been shown to segregate with disease in multi-generational families with DCM (Brauch KM et al. J Am Coll Cardiol. 2009;54:930-41; Li D et al. Clin Transl Sci. 2010;3:90-7; Wells QS et al. Circ Cardiovasc Genet. 2013;6:317-26). This variant is considered to be rare based on population cohorts in the Genome Aggregation Database (gnomAD). In addition, other alterations at this codon (p.R636S and p.R636C) have also been reported in association with DCM (Brauch KM et al. J Am Coll Cardiol. 2009;54:930-41;Li D et al. Clin Transl Sci. 2010;3:90-7). Based on the supporting evidence, this alteration is interpreted as a disease-causing mutation.

Genetics and Molecular Pathology, SA Pathology
Classification: Pathogenic for Primary dilated cardiomyopathy. Last evaluated: 2022-11-08. Review status: criteria provided, single submitter. Criteria: ACMG Guidelines, 2015. Collection method: clinical testing. Allele origin: germline. Affected: yes.
Comment: The RBM20 c.1907G>A variant is classified as Pathogenic (PS4, PP1_Strong, PM1, PM2, PP3) The RBM20 c.1907G>A variant is a single nucleotide change in exon 9/14 of the RBM20 gene, which is predicted to change the amino acid arginine at position 636 in the protein, to histidine. The variant has been reported in >15 probands with a clinical presentation of Dilated Cardiomyopathy (PMID#19712804, 20590677, 31514951, 30871348, ClinVar) (PS4) and is reported to co-segregate with disease in 7 meioses (PMID#23861363) (PP1_strong). This variant is located in the RBM20 enrichment region for variants associated with cardiomyopathy (exon 9) and different changes to this same amino acid are also reported as disease causing (PM1). The variant is rare in population databases (gnomAD allele frequency = 0.0013%; 2 het and 0 hom) (PM2) is reported in dbSNP (rs267607004), is reported as disease causing in the HGMD database (CM095006) and is reported as pathogenic/likely pathogenic by other diagnostic laboratories (ClinVar #271) Computational predictions support a deleterious effect on the gene or gene product (PP3).